The following is an entry in ClinVar:

NM_004523.4(KIF11):c.1873_1875+1del

Gene: KIF11 (kinesin family member 11; plus strand). Cytogenetic location: 10q23.33.
Variant type: Microsatellite.
Coding change: c.1873_1875+1del on transcript NM_004523.4 (MANE Select); coding-DNA position 1873 through the canonical splice donor site of the intron after coding-DNA position 1875, 4 bases deleted (ATTG; older notation c.1873_1875+1delATTG).
Molecular consequence: splice donor variant.
Genome position (GRCh38, 1-based): chr10:92,633,793-92,633,796, ATTG deleted; deleting any 4 consecutive bases within chr10:92,633,789-92,633,796 gives the same sequence; the c. name uses the placement nearest the transcript's 3' end. VCF-style (leftmost placement, unchanged base first): chr10-92633788-AATTG-A. GRCh37 (hg19) VCF-style: chr10-94393545-AATTG-A.
Identifiers: ClinVar variation 1073666 (VCV001073666.8), dbSNP rs2135916921, ClinGen allele CA2580615577.

ClinVar aggregate classification (germline): Conflicting classifications of pathogenicity. Review status: criteria provided, conflicting classifications (1 of 4 stars). 2 submissions from 2 submitters: Pathogenic (1); Uncertain significance (1). Last evaluated 2020-04-28.

Submissions (2):

Blueprint Genetics
Classification: Uncertain significance. Last evaluated: 2020-04-28. Review status: criteria provided, single submitter. Criteria: ACMG Guidelines, 2015. Collection method: clinical testing. Allele origin: germline.

Labcorp Genetics (formerly Invitae), Labcorp
Classification: Pathogenic. Last evaluated: 2020-01-15. Review status: criteria provided, single submitter. Criteria: Invitae Variant Classification Sherloc (09022015). Collection method: clinical testing. Allele origin: germline.
Comment: This variant has not been reported in the literature in individuals with KIF11-related conditions. Loss-of-function variants in KIF11 are known to be pathogenic (PMID: 24281367). For these reasons, this variant has been classified as Pathogenic. This sequence change creates a premature translational stop signal (p.Ile625Metfs*8) in the KIF11 gene. It is expected to result in an absent or disrupted protein product. This variant is not present in population databases (ExAC no frequency).

Literature cited by the submitters: PubMed 24281367 (cited by Labcorp Genetics (formerly Invitae), Labcorp).